The following is an entry in ClinVar:

ClinVar aggregate classification (germline): Likely pathogenic (1 of 4 stars; one submission).

Conditions:
Skraban-Deardorff syndrome. Also called: INTELLECTUAL DISABILITY WITH SEIZURES, ABNORMAL GAIT, AND DISTINCTIVE FACIAL FEATURES; WDR26-Related Intellectual Disability. Identifiers: Orphanet 513456, MedGen C4539927, MONDO:0054636, OMIM 617616.

Submission:

Wales Gene Park, Division Of Cancer and Genetics, Cardiff University
Classification: Likely pathogenic for Skraban-Deardorff syndrome. Last evaluated: 2026-04-28. Review status: criteria provided, single submitter. Criteria: ACGS Best Practice Guidelines for Variant Classification in Rare Disease 2024. Collection method: research. Allele origin: unknown. Inheritance: Autosomal dominant inheritance. Affected: yes. Study: 100,000 Genomes Project (Wales).
Comment: Heterozygous WDR26 frameshift variant detected by genome sequencing. Not in gnomAD (v4.1.1). Evidence codes: PVS1, PM2.

NM_001379403.1(WDR26):c.1661G>A (p.Trp554Ter)

Gene: WDR26 (WD repeat domain 26; minus strand). Cytogenetic location: 1q42.12.
Variant type: single nucleotide variant.
Coding change: c.1661G>A on transcript NM_001379403.1 (MANE Select); coding-DNA position 1661, G replaced by A.
Protein change: p.Trp554Ter; replaces tryptophan 554 with a stop codon.
Molecular consequence: nonsense.
Genome position (GRCh38, 1-based): chr1:224,401,008, C>T on the plus strand (G>A on the coding strand, the complement: WDR26 is on the minus strand). VCF-style: chr1-224401008-C-T. GRCh37 (hg19) VCF-style: chr1-224588710-C-T.
Other names: c.1313G>A, p.Trp438Ter (NM_001115113.3); c.1361G>A, p.Trp454Ter (NM_025160.7); short protein forms W438*, W454*, W554*.
Identifiers: ClinVar variation 4880215 (VCV004880215.1).